The following is an entry in ClinVar:

ClinVar aggregate classification (germline): Uncertain significance (1 of 4 stars; one submission).

Conditions:
Cholestanol storage disease (CTX). Also called: Cerebrotendinous Xanthomatosis; CEREBRAL CHOLESTERINOSIS; CTX: Cerebrotendinous xanthomatosis. Identifiers: Orphanet 909, MedGen C0238052, MONDO:0008948, OMIM 213700.

gnomAD v4.1: 1 of 1,614,116 alleles (0.000062%); highest among the groups gnomAD compares: Non-Finnish European, 0.000085%; no homozygotes.

Submission:

Labcorp Genetics (formerly Invitae), Labcorp
Classification: Uncertain significance for Cholestanol storage disease. Last evaluated: 2021-10-29. Review status: criteria provided, single submitter. Criteria: Invitae Variant Classification Sherloc (09022015). Collection method: clinical testing. Allele origin: germline.
Comment: This sequence change replaces proline, which is neutral and non-polar, with arginine, which is basic and polar, at codon 112 of the CYP27A1 protein (p.Pro112Arg). This variant is not present in population databases (gnomAD no frequency). This variant has not been reported in the literature in individuals affected with CYP27A1-related conditions. Advanced modeling of protein sequence and biophysical properties (such as structural, functional, and spatial information, amino acid conservation, physicochemical variation, residue mobility, and thermodynamic stability) performed at Invitae indicates that this missense variant is not expected to disrupt CYP27A1 protein function. In summary, the available evidence is currently insufficient to determine the role of this variant in disease. Therefore, it has been classified as a Variant of Uncertain Significance.

NM_000784.4(CYP27A1):c.335C>G (p.Pro112Arg)

Gene: CYP27A1 (cytochrome P450 family 27 subfamily A member 1; plus strand). Cytogenetic location: 2q35.
Variant type: single nucleotide variant.
Coding change: c.335C>G on transcript NM_000784.4 (MANE Select); coding-DNA position 335, C replaced by G.
Protein change: p.Pro112Arg; replaces proline 112 with arginine.
Molecular consequence: missense variant.
Genome position (GRCh38, 1-based): chr2:218,809,656, C>G. VCF-style: chr2-218809656-C-G. GRCh37 (hg19) VCF-style: chr2-219674379-C-G.
Other names: short protein forms P112R.
Identifiers: ClinVar variation 1480585 (VCV001480585.3), dbSNP rs531504325, ClinGen allele CA350583288.